The following is an entry in ClinVar:

NM_001042492.3(NF1):c.7062+3_7062+31del

Gene: NF1 (neurofibromin 1; plus strand). Cytogenetic location: 17q11.2.
Variant type: Deletion.
Coding change: c.7062+3_7062+31del on transcript NM_001042492.3 (MANE Select); bases 3 to 31 of the intron after coding-DNA position 7062, 29 bases deleted (AAGCAAACTTTGCCTTGAGGTTCCTAGAT).
Molecular consequence: splice donor variant.
Genome position (GRCh38, 1-based): chr17:31,340,648-31,340,676, AAGCAAACTTTGCCTTGAGGTTCCTAGAT deleted; deleting any 29 consecutive bases within chr17:31,340,647-31,340,676 gives the same sequence; the c. name uses the placement nearest the transcript's 3' end. VCF-style (leftmost placement, unchanged base first): chr17-31340646-GTAAGCAAACTTTGCCTTGAGGTTCCTAGA-G. GRCh37 (hg19) VCF-style: chr17-29667664-GTAAGCAAACTTTGCCTTGAGGTTCCTAGA-G.
Other names: c.6999+3_6999+31del (NM_000267.4).
Identifiers: ClinVar variation 1997721 (VCV001997721.4), dbSNP rs2508771026, ClinGen allele CA2580093217.

ClinVar aggregate classification (germline): Uncertain significance (1 of 4 stars; one submission).

Conditions:
Neurofibromatosis, type 1 (NF1). Also called: Neurofibromatosis, type I; Peripheral type neurofibromatosis; NEUROFIBROMATOSIS, TYPE I, SOMATIC; VON RECKLINGHAUSEN DISEASE. Identifiers: Orphanet 636, MedGen C0027831, MONDO:0018975, OMIM 162200. Disease mechanism: loss of function.

Submission:

Labcorp Genetics (formerly Invitae), Labcorp
Classification: Uncertain significance for Neurofibromatosis, type 1. Last evaluated: 2022-05-21. Review status: criteria provided, single submitter. Criteria: Invitae Variant Classification Sherloc (09022015). Collection method: clinical testing. Allele origin: germline.
Comment: Variants that disrupt the consensus splice site are a relatively common cause of aberrant splicing (PMID: 17576681, 9536098). Algorithms developed to predict the effect of sequence changes on RNA splicing suggest that this variant may disrupt the consensus splice site. In summary, the available evidence is currently insufficient to determine the role of this variant in disease. Therefore, it has been classified as a Variant of Uncertain Significance. This sequence change falls in intron 46 of the NF1 gene. It does not directly change the encoded amino acid sequence of the NF1 protein. It affects a nucleotide within the consensus splice site. This variant is not present in population databases (gnomAD no frequency). This variant has not been reported in the literature in individuals affected with NF1-related conditions.

Literature cited by the submitters: PubMed 17576681; PubMed 9536098.